The following is an entry in ClinVar:

NM_182641.4(BPTF):c.4387A>T (p.Arg1463Trp)

Gene: BPTF (bromodomain PHD finger transcription factor; plus strand). Cytogenetic location: 17q24.2.
Variant type: single nucleotide variant.
Coding change: c.4387A>T on transcript NM_182641.4 (MANE Select); coding-DNA position 4387, A replaced by T.
Protein change: p.Arg1463Trp; replaces arginine 1463 with tryptophan.
Molecular consequence: missense variant.
Genome position (GRCh38, 1-based): chr17:67,912,271, A>T. VCF-style: chr17-67912271-A-T. GRCh37 (hg19) VCF-style: chr17-65908387-A-T.
Other names: c.4576A>T, p.Arg1526Trp (NM_001439139.1, NM_001439141.1, NM_001439143.1 and 1 more transcripts); c.4765A>T, p.Arg1589Trp (NM_001439140.1, NM_001439142.1, NM_004459.7); short protein forms R1463W, R1526W, R1589W.
Identifiers: ClinVar variation 4282244 (VCV004282244.2).

ClinVar aggregate classification (germline): Likely pathogenic (1 of 4 stars; one submission).

Submission:

GeneDx
Classification: Likely pathogenic. Last evaluated: 2026-01-16. Review status: criteria provided, single submitter. Criteria: GeneDx Variant Classification Process June 2021. Collection method: clinical testing. Allele origin: germline.
Comment: Has not been previously published as pathogenic or benign to our knowledge; Not observed at significant frequency in large population cohorts (gnomAD); In silico analysis supports that this missense variant has a deleterious effect on protein structure/function